The following is an entry in ClinVar:

NM_002047.4(GARS1):c.2064C>T (p.Asp688=)

Gene: GARS1 (glycyl-tRNA synthetase 1; plus strand). Cytogenetic location: 7p14.3.
Variant type: single nucleotide variant.
Coding change: c.2064C>T on transcript NM_002047.4 (MANE Select); coding-DNA position 2064, C replaced by T.
Protein change: p.Asp688=; no amino-acid change (aspartic acid 688 retained).
Molecular consequence: synonymous variant.
Genome position (GRCh38, 1-based): chr7:30,632,407, C>T. VCF-style: chr7-30632407-C-T. GRCh37 (hg19) VCF-style: chr7-30672023-C-T.
Other names: c.1902C>T, p.Asp634= (NM_001316772.1).
Identifiers: ClinVar variation 1320985 (VCV001320985.5), dbSNP rs528105619, ClinGen allele CA4206143.

ClinVar aggregate classification (germline): Conflicting classifications of pathogenicity. Review status: criteria provided, conflicting classifications (1 of 4 stars). 2 submissions from 2 submitters: Uncertain significance (1); Likely benign (1). Last evaluated 2023-12-03.

Conditions:
Charcot-Marie-Tooth disease type 2. Also called: Charcot-Marie-Tooth type 2. Identifiers: Orphanet 64746, MedGen C0270914, MONDO:0018993.

Allele frequency attached by ClinVar (database versions not stated): ExAC 0.00002; gnomAD 0.00001; gnomAD exomes 0.00001; TOPMed 0.00001.
gnomAD v4.1: 4 of 1,614,020 alleles (0.00025%); highest among the groups gnomAD compares: Non-Finnish European, 0.00034%; no homozygotes.

Submissions (2):

Labcorp Genetics (formerly Invitae), Labcorp
Classification: Likely benign for Charcot-Marie-Tooth disease type 2. Last evaluated: 2023-12-03. Review status: criteria provided, single submitter. Criteria: Invitae Variant Classification Sherloc (09022015). Collection method: clinical testing. Allele origin: germline.

GeneDx
Classification: Uncertain significance. Last evaluated: 2019-11-21. Review status: criteria provided, single submitter. Criteria: GeneDx Variant Classification Process June 2021. Collection method: clinical testing. Allele origin: germline. Affected: yes.
Comment: Not observed at a significant frequency in large population cohorts (Lek et al., 2016); In silico analysis, which includes protein predictors and evolutionary conservation, supports that this variant does not alter protein structure/function; Has not been previously published as pathogenic or benign to our knowledge